The following is an entry in ClinVar:

NM_015978.3(TNNI3K):c.762G>T (p.Leu254=)

Genes: FPGT-TNNI3K (FPGT-TNNI3K readthrough; plus strand), TNNI3K (TNNI3 interacting kinase; plus strand). Cytogenetic location: 1p31.1.
Variant type: single nucleotide variant.
Coding change: c.762G>T on transcript NM_015978.3 (MANE Select); coding-DNA position 762, G replaced by T.
Protein change: p.Leu254=; no amino-acid change (leucine 254 retained).
Molecular consequence: synonymous variant.
Genome position (GRCh38, 1-based): chr1:74,342,921, G>T. VCF-style: chr1-74342921-G-T. GRCh37 (hg19) VCF-style: chr1-74808605-G-T.
Other names: p.Leu254=; c.1065G>T, p.Leu355= (NM_001112808.3, NM_001199327.2).
Identifiers: ClinVar variation 726327 (VCV000726327.15), dbSNP rs146121965, ClinGen allele CA909004.

ClinVar aggregate classification (germline): Benign/Likely benign. Review status: criteria provided, multiple submitters, no conflicts (2 of 4 stars). 6 submissions from 6 submitters: Benign (3); Likely benign (2). 1 of the submissions does not count toward it. Last evaluated 2026-03-27.

Conditions:
TNNI3K-related disorder. Also called: TNNI3K-related condition.

Allele frequency attached by ClinVar (database versions not stated): gnomAD exomes 0.00012 and 0.00039; ExAC 0.00051; 1000 Genomes Project 30x 0.00109; gnomAD 0.00133 and 0.00145; 1000 Genomes Project 0.00140; TOPMed 0.00149; ESP Exome Variant Server 0.00185.
gnomAD v4.1: 392 of 1,613,876 alleles (0.024%); highest among the groups gnomAD compares: African/African-American, 0.47%; 2 homozygotes.

Submissions (6):

Molecular Diagnostic Laboratory for Inherited Cardiovascular Disease, Montreal Heart Institute
Classification: Likely benign. Last evaluated: 2026-03-27. Review status: criteria provided, single submitter. Criteria: ACMG Guidelines, 2015. Collection method: clinical testing. Allele origin: germline. Affected: no.
Comment: BS1;BP7

Labcorp Genetics (formerly Invitae), Labcorp
Classification: Benign. Last evaluated: 2026-02-01. Review status: criteria provided, single submitter. Criteria: Invitae Variant Classification Sherloc (09022015). Collection method: clinical testing. Allele origin: germline.

Blueprint Genetics
Classification: Likely benign. Last evaluated: 2024-11-05. Review status: criteria provided, single submitter. Criteria: ACMG Guidelines, 2015. Collection method: clinical testing. Allele origin: germline.

Mayo Clinic Laboratories, Mayo Clinic
Classification: Benign. Last evaluated: 2024-10-14. Review status: criteria provided, single submitter. Criteria: ACMG Guidelines, 2015. Collection method: clinical testing. Allele origin: germline. Observed: 2 variant alleles.
Comment: BS1, BS2, BP4, BP7

Breakthrough Genomics
Classification: Benign. Review status: criteria provided, single submitter. Criteria: ACMG Guidelines, 2015. Collection method: not provided. Allele origin: germline. Inheritance: Autosomal dominant inheritance. Affected: yes.

PreventionGenetics, part of Exact Sciences
Classification: Benign for TNNI3K-related condition. Last evaluated: 2019-06-12. Review status: no assertion criteria provided. Collection method: clinical testing. Allele origin: germline. Not counted in ClinVar's aggregate classification.
Comment: This variant is classified as benign based on ACMG/AMP sequence variant interpretation guidelines (Richards et al. 2015 PMID: 25741868, with internal and published modifications).